The following continues an entry in ClinVar:

NM_004415.4(DSP):c.1696G>A (p.Ala566Thr)

Gene: DSP. ClinVar aggregate classification (germline): Conflicting classifications of pathogenicity. Uncertain significance (5); Likely benign (9).

Submissions 14 to 20 of 20:

Centre for Mendelian Genomics, University Medical Centre Ljubljana
Classification: Uncertain significance for Palmoplantar blistering; Skin fragility with non-scarring blistering. Last evaluated: 2017-01-01. Review status: criteria provided, single submitter. Criteria: ACMG Guidelines, 2015. Collection method: clinical testing. Allele origin: unknown. Affected: yes.

Bioscientia Institut fuer Medizinische Diagnostik GmbH, Sonic Healthcare
Classification: Uncertain significance for Arrhythmogenic right ventricular dysplasia 8. Last evaluated: 2018-06-18. Review status: no assertion criteria provided. Collection method: clinical testing. Allele origin: germline. Affected: yes. Not counted in ClinVar's aggregate classification.

CSER _CC_NCGL, University of Washington
Classification: Uncertain significance for Cardiomyopathy, arrhythmogenic right ventricular. Last evaluated: 2014-06-01. Review status: no assertion criteria provided. Collection method: research. Allele origin: germline. Inheritance: Autosomal dominant inheritance. Study: ESP 6500 variant annotation. Not counted in ClinVar's aggregate classification.
Comment: Variants classified for the Actionable exomic incidental findings in 6503 participants: challenges of variant classification manuscript

Clinical Genetics DNA and cytogenetics Diagnostics Lab, Erasmus MC, Erasmus Medical Center
Classification: Likely benign. Review status: no assertion criteria provided. Collection method: clinical testing. Allele origin: germline. Affected: yes. Study: VKGL Data-share Consensus. Not counted in ClinVar's aggregate classification.

Clinical Genetics, Academic Medical Center
Classification: Benign. Review status: no assertion criteria provided. Collection method: clinical testing. Allele origin: germline. Affected: yes. Study: VKGL Data-share Consensus. Not counted in ClinVar's aggregate classification.

Genome Diagnostics Laboratory, University Medical Center Utrecht
Classification: Likely benign. Review status: no assertion criteria provided. Collection method: clinical testing. Allele origin: germline. Affected: yes. Study: VKGL Data-share Consensus. Not counted in ClinVar's aggregate classification.

Joint Genome Diagnostic Labs from Nijmegen and Maastricht, Radboudumc and MUMC+
Classification: Likely benign. Review status: no assertion criteria provided. Collection method: clinical testing. Allele origin: germline. Affected: yes. Study: VKGL Data-share Consensus. Not counted in ClinVar's aggregate classification.

Literature cited by the submitters: PubMed 21606396 (cited by 4 submitters); PubMed 25225338 (cited by 3 submitters); PubMed 28045975 (cited by Women's Health and Genetics/Laboratory Corporation of America, LabCorp and Ambry Genetics); PubMed 28008423 (cited by Women's Health and Genetics/Laboratory Corporation of America, LabCorp); PubMed 16774985 (cited by 3 submitters); PubMed 25351510 (cited by Ambry Genetics); PubMed 26332594 (cited by Ambry Genetics); PubMed 26606670 (cited by Ambry Genetics); PubMed 27000522 (cited by Ambry Genetics); PubMed 31402444 (cited by Ambry Genetics); PubMed 31785789 (cited by Ambry Genetics); PubMed 33652588 (cited by Ambry Genetics).